The following is an entry in ClinVar:

ClinVar aggregate classification (germline): Uncertain significance (1 of 4 stars; one submission).

Submission:

Labcorp Genetics (formerly Invitae), Labcorp
Classification: Uncertain significance. Last evaluated: 2023-03-26. Review status: criteria provided, single submitter. Criteria: Invitae Variant Classification Sherloc (09022015). Collection method: clinical testing. Allele origin: germline.
Comment: In summary, the available evidence is currently insufficient to determine the role of this variant in disease. Therefore, it has been classified as a Variant of Uncertain Significance. An algorithm developed to predict the effect of missense changes on protein structure and function (PolyPhen-2) suggests that this variant is likely to be disruptive. This variant has not been reported in the literature in individuals affected with HMCN1-related conditions. This variant is not present in population databases (gnomAD no frequency). This sequence change replaces isoleucine, which is neutral and non-polar, with threonine, which is neutral and polar, at codon 1254 of the HMCN1 protein (p.Ile1254Thr).

NM_031935.3(HMCN1):c.3761T>C (p.Ile1254Thr)

Gene: HMCN1 (hemicentin 1; plus strand). Cytogenetic location: 1q31.1.
Variant type: single nucleotide variant.
Coding change: c.3761T>C on transcript NM_031935.3 (MANE Select); coding-DNA position 3761, T replaced by C.
Protein change: p.Ile1254Thr; replaces isoleucine 1254 with threonine.
Molecular consequence: missense variant.
Genome position (GRCh38, 1-based): chr1:185,995,070, T>C. VCF-style: chr1-185995070-T-C. GRCh37 (hg19) VCF-style: chr1-185964202-T-C.
Other names: short protein forms I1254T.
Identifiers: ClinVar variation 2849758 (VCV002849758.3), dbSNP rs1171287847, ClinGen allele CA343872086.